The following is an entry in ClinVar:

NM_003839.4(TNFRSF11A):c.20G>A (p.Arg7Gln)

Genes: TNFRSF11A (TNF receptor superfamily member 11a; plus strand), LOC130062628 (ATAC-STARR-seq lymphoblastoid silent region 9505; plus strand). Cytogenetic location: 18q21.33.
Variant type: single nucleotide variant.
Coding change: c.20G>A on transcript NM_003839.4 (MANE Select); coding-DNA position 20, G replaced by A.
Protein change: p.Arg7Gln; replaces arginine 7 with glutamine.
Molecular consequence: missense variant.
Genome position (GRCh38, 1-based): chr18:62,325,372, G>A. VCF-style: chr18-62325372-G-A. GRCh37 (hg19) VCF-style: chr18-59992605-G-A.
Other names: c.20G>A, p.Arg7Gln (NM_001270949.2, NM_001270950.2, NM_001270951.2 and 1 more transcripts); short protein forms R7Q.
Identifiers: ClinVar variation 2851193 (VCV002851193.3), dbSNP rs2513223622, ClinGen allele CA402618616.

ClinVar aggregate classification (germline): Uncertain significance (1 of 4 stars; one submission).

gnomAD v4.1: 1 of 1,054,278 alleles (0.000095%); highest among the groups gnomAD compares: African/African-American, 0.0017%; no homozygotes.

Submission:

Labcorp Genetics (formerly Invitae), Labcorp
Classification: Uncertain significance. Last evaluated: 2024-03-04. Review status: criteria provided, single submitter. Criteria: Invitae Variant Classification Sherloc (09022015). Collection method: clinical testing. Allele origin: germline.
Comment: This sequence change replaces arginine, which is basic and polar, with glutamine, which is neutral and polar, at codon 7 of the TNFRSF11A protein (p.Arg7Gln). The frequency data for this variant in the population databases is considered unreliable, as metrics indicate insufficient coverage at this position in the gnomAD database. This variant has not been reported in the literature in individuals affected with TNFRSF11A-related conditions. Experimental studies and prediction algorithms are not available or were not evaluated, and the functional significance of this variant is currently unknown. In summary, the available evidence is currently insufficient to determine the role of this variant in disease. Therefore, it has been classified as a Variant of Uncertain Significance.